The following is an entry in ClinVar:

ClinVar aggregate classification (germline): Uncertain significance (1 of 4 stars; one submission).

Conditions:
Joubert syndrome. Also called: Familial aplasia of the vermis; CEREBELLOPARENCHYMAL DISORDER IV; JOUBERT-BOLTSHAUSER SYNDROME. Identifiers: Orphanet 475, MedGen C5979921, MONDO:0018772.
Orofaciodigital syndrome I (OFD1). Also called: Papillon-Leage and Psaume Syndrome; Oral-Facial-Digital Syndrome Type I; OFDS I. Identifiers: Orphanet 2750, MedGen C1510460, MONDO:0010702, OMIM 311200.

Submission:

Labcorp Genetics (formerly Invitae), Labcorp
Classification: Uncertain significance for Orofaciodigital syndrome I; Joubert syndrome. Last evaluated: 2020-07-16. Review status: criteria provided, single submitter. Criteria: Invitae Variant Classification Sherloc (09022015). Collection method: clinical testing. Allele origin: germline.
Comment: This sequence change falls in intron 22 of the OFD1 gene. It does not directly change the encoded amino acid sequence of the OFD1 protein. This variant is not present in population databases (ExAC no frequency). This variant has not been reported in the literature in individuals with OFD1-related conditions. Algorithms developed to predict the effect of sequence changes on RNA splicing suggest that this variant may disrupt the consensus splice site, but this prediction has not been confirmed by published transcriptional studies. In summary, the available evidence is currently insufficient to determine the role of this variant in disease. Therefore, it has been classified as a Variant of Uncertain Significance.

NM_003611.3(OFD1):c.2997-6A>G

Gene: OFD1 (OFD1 centriole and centriolar satellite protein; plus strand). Cytogenetic location: Xp22.2.
Variant type: single nucleotide variant.
Coding change: c.2997-6A>G on transcript NM_003611.3 (MANE Select); 6 bases into the intron before coding-DNA position 2997, A replaced by G.
Molecular consequence: intron variant.
Genome position (GRCh38, 1-based): chrX:13,769,060, A>G. VCF-style: chrX-13769060-A-G. GRCh37 (hg19) VCF-style: chrX-13787179-A-G.
Other names: c.2577-6A>G (NM_001330210.2); c.2877-6A>G (NM_001330209.2).
Identifiers: ClinVar variation 1000089 (VCV001000089.9), dbSNP rs2048246741, ClinGen allele CA2416375393.